The following is an entry in ClinVar:

ClinVar aggregate classification (germline): Pathogenic. Review status: criteria provided, multiple submitters, no conflicts (2 of 4 stars). 5 submissions from 4 submitters: Pathogenic (2). 3 of the submissions do not count toward it. Last evaluated 2022-11-17.

Conditions:
Neuropathy, hereditary sensory and autonomic, type IA, severe. Identifiers: MedGen C5231533.
Charcot-Marie-Tooth disease. Also called: Charcot-Marie-Tooth Neuropathy; Charcot-Marie-Tooth Hereditary Neuropathy. Identifiers: Orphanet 166, MedGen C0007959, MONDO:0015626.
Hereditary sensory and autonomic neuropathy type 1 (HSAN1). Also called: Hereditary Sensory Neuropathy Type I; HSAN 1; HSN Type I. Identifiers: Orphanet 36386, MedGen C0020071, MONDO:0018213.
Amyotrophic lateral sclerosis 27, juvenile (ALS27). Identifiers: MedGen C5830359, MONDO:0859529, OMIM 620285.

Submissions (5):

Labcorp Genetics (formerly Invitae), Labcorp
Classification: Pathogenic for Hereditary sensory and autonomic neuropathy type 1. Last evaluated: 2022-11-17. Review status: criteria provided, single submitter. Criteria: Invitae Variant Classification Sherloc (09022015). Collection method: clinical testing. Allele origin: germline.
Comment: Experimental studies have shown that this missense change affects SPTLC1 function (PMID: 26681808). For these reasons, this variant has been classified as Pathogenic. This variant disrupts the p.Ser331 amino acid residue in SPTLC1. Other variant(s) that disrupt this residue have been determined to be pathogenic (PMID: 19651702, 21618344, 24247255). This suggests that this residue is clinically significant, and that variants that disrupt this residue are likely to be disease-causing. Algorithms developed to predict the effect of missense changes on protein structure and function (SIFT, PolyPhen-2, Align-GVGD) all suggest that this variant is likely to be disruptive. ClinVar contains an entry for this variant (Variation ID: 372788). This missense change has been observed in individual(s) with SPTCL1-related disease (PMID: 23454272). In at least one individual the variant was observed to be de novo. This variant is not present in population databases (gnomAD no frequency). This sequence change replaces serine, which is neutral and polar, with tyrosine, which is neutral and polar, at codon 331 of the SPTLC1 protein (p.Ser331Tyr).

GeneDx
Classification: Pathogenic. Last evaluated: 2016-11-04. Review status: criteria provided, single submitter. Criteria: GeneDx Variant Classification (06012015). Collection method: clinical testing. Allele origin: germline. Affected: yes.
Comment: The S331Y pathogenic variant in the SPTLC1 gene has been reported previously as a heterozygous de novo variant in an individual with a diagnosis of HSN1A who presented with normal early development followed by failure to thrive in childhood, abnormal gait, frequent falls, and moderate hand tremor. Later in childhood, general muscle hypotrophy and hypotonia with pronounced limb weakness, growth retardation, fasciculations, joint hypermobility, juvenile cataracts, foot burns and scars and prominent sensory disturbances were noted (Auer-Grumbach et al., 2013). The S331Y variant was not observed in approximately 6500 individuals of European and African American ancestry in the NHLBI Exome Sequencing Project, indicating it is not a common benign variant in these populations. The S331Y variant is a semi-conservative amino acid substitution, which occurs at a position that is conserved across species. Functional studies show a significant reduction in the canonical SPT activity and a significant increase of 1-deoxy-sphinganin formation in HEK293 cells compared to wild type cells (Auer-Grumbach et al., 2013; Bode et al., 2016). A missense variant at the same residue (S331F) has also been reported in multiple individuals with severe and early onset HSN1A (Rotthier et al., 2011; Rotthier et al., 2009). Therefore, we interpret S331Y as a pathogenic variant.

OMIM
Classification: Pathogenic for NEUROPATHY, HEREDITARY SENSORY AND AUTONOMIC, TYPE IA, SEVERE. Last evaluated: 2023-03-14. Review status: no assertion criteria provided. Collection method: literature only. Allele origin: germline. Not counted in ClinVar's aggregate classification.

OMIM
Classification: Pathogenic for AMYOTROPHIC LATERAL SCLEROSIS 27, JUVENILE. Last evaluated: 2023-03-14. Review status: no assertion criteria provided. Collection method: literature only. Allele origin: germline. Not counted in ClinVar's aggregate classification.

Inherited Neuropathy Consortium
Classification: Uncertain significance for Charcot-Marie-Tooth disease. Review status: no assertion criteria provided. Collection method: literature only. Allele origin: germline. Affected: yes. Not counted in ClinVar's aggregate classification.

Literature cited by the submitters: PubMed 26681808 (cited by Labcorp Genetics (formerly Invitae), Labcorp); PubMed 19651702 (cited by Labcorp Genetics (formerly Invitae), Labcorp); PubMed 21618344 (cited by Labcorp Genetics (formerly Invitae), Labcorp); PubMed 24247255 (cited by Labcorp Genetics (formerly Invitae), Labcorp); PubMed 23454272 (cited by 3 submitters); PubMed 34459874 (cited by OMIM).

NM_006415.4(SPTLC1):c.992C>A (p.Ser331Tyr)

Gene: SPTLC1 (serine palmitoyltransferase long chain base subunit 1; minus strand). Cytogenetic location: 9q22.31.
Variant type: single nucleotide variant.
Coding change: c.992C>A on transcript NM_006415.4 (MANE Select); coding-DNA position 992, C replaced by A.
Protein change: p.Ser331Tyr; replaces serine 331 with tyrosine.
Molecular consequence: missense variant.
Genome position (GRCh38, 1-based): chr9:92,047,261, G>T on the plus strand (C>A on the coding strand, the complement: SPTLC1 is on the minus strand). VCF-style: chr9-92047261-G-T. GRCh37 (hg19) VCF-style: chr9-94809543-G-T.
Other names: c.992C>A, p.Ser331Tyr (NM_001281303.2); c.626C>A, p.Ser209Tyr (NM_001368272.1); c.527C>A, p.Ser176Tyr (NM_001368273.1); short protein forms S331Y, S176Y, S209Y.
Identifiers: ClinVar variation 372788 (VCV000372788.15), dbSNP rs267607087, ClinGen allele CA16042656.